The following is an entry in ClinVar:

ClinVar aggregate classification (germline): Likely pathogenic (1 of 4 stars; one submission).

Conditions:
Fanconi anemia complementation group A (FANCA). Also called: Fanconi anemia, group A; FANCA-Related Fanconi Anemia. Identifiers: Orphanet 84, MedGen C3469521, MONDO:0009215, OMIM 227650.

Submission:

Myriad Genetics, Inc.
Classification: Likely pathogenic for Fanconi anemia complementation group A. Last evaluated: 2019-09-29. Review status: criteria provided, single submitter. Criteria: Myriad Women's Health Autosomal Recessive and X-Linked Classification Criteria (2019). Collection method: clinical testing. Allele origin: unknown.
Comment: NM_000135.2(FANCA):c.3017T>A(L1006*) is expected to be pathogenic in the context of Fanconi anemia complementation group A. This variant is predicted to lead to an abnormal or absent protein product due to the creation of a premature termination codon in FANCA, a gene where loss-of-function variants are known to be pathogenic. Please note: this variant was assessed in the context of healthy population screening.

NM_000135.4(FANCA):c.3017T>A (p.Leu1006Ter)

Gene: FANCA (FA complementation group A; minus strand). Cytogenetic location: 16q24.3.
Variant type: single nucleotide variant.
Coding change: c.3017T>A on transcript NM_000135.4 (MANE Select); coding-DNA position 3017, T replaced by A.
Protein change: p.Leu1006Ter; replaces leucine 1006 with a stop codon.
Molecular consequence: nonsense.
Genome position (GRCh38, 1-based): chr16:89,752,187, A>T on the plus strand (T>A on the coding strand, the complement: FANCA is on the minus strand). VCF-style: chr16-89752187-A-T. GRCh37 (hg19) VCF-style: chr16-89818595-A-T.
Other names: c.3017T>A, p.Leu1006Ter (NM_001286167.3); short protein forms L1006*.
Identifiers: ClinVar variation 983706 (VCV000983706.3), dbSNP rs2038618125, ClinGen allele CA397426177.
Genomic context (GRCh38, chr16:89,752,187, plus strand): 5'-CTCAAACTCACCTGCAATCTGGAAATAATATCCTCATTTCCTGTGCGGCCACCAAAGACC[A>T]AATCAGAATTTTCTGAGTGGTCATAACTCCTTGAGCTGAAATGAAAATACAATAAAATCC-3'